The following is an entry in ClinVar:

NM_015272.5(RPGRIP1L):c.230+780G>T

Gene: RPGRIP1L (RPGRIP1 like; minus strand). Cytogenetic location: 16q12.2.
Variant type: single nucleotide variant.
Coding change: c.230+780G>T on transcript NM_015272.5 (MANE Select); 780 bases into the intron after coding-DNA position 230, G replaced by T.
Molecular consequence: intron variant. On other transcripts: missense variant (1).
Genome position (GRCh38, 1-based): chr16:53,695,371, C>A on the plus strand (G>T on the coding strand, the complement: RPGRIP1L is on the minus strand). VCF-style: chr16-53695371-C-A. GRCh37 (hg19) VCF-style: chr16-53729283-C-A.
Other names: c.318G>T, p.Gln106His (NM_001328422.2); c.230+780G>T (NM_001127897.4, NM_001330538.2, NM_001308334.3); short protein forms Q106H.
Identifiers: ClinVar variation 3905164 (VCV003905164.11).

ClinVar aggregate classification (germline): Benign/Likely benign. Review status: criteria provided, multiple submitters, no conflicts (2 of 4 stars). 2 submissions from 2 submitters: Benign (1); Likely benign (1). Last evaluated 2026-09-01.

gnomAD v4.1: 722 of 702,968 alleles (0.1%); highest among the groups gnomAD compares: African/African-American, 1%; 8 homozygotes.

Submissions (2):

CeGaT Center for Human Genetics Tuebingen
Classification: Benign. Last evaluated: 2026-09-01. Review status: criteria provided, single submitter. Criteria: CeGaT Center For Human Genetics Tuebingen Variant Classification Criteria Version 2. Collection method: clinical testing. Allele origin: germline. Affected: yes. Observed: 4 variant alleles.
Comment: RPGRIP1L: BS1, BS2

Blueprint Genetics
Classification: Likely benign. Last evaluated: 2024-11-25. Review status: criteria provided, single submitter. Criteria: ACMG Guidelines, 2015. Collection method: clinical testing. Allele origin: germline.